The following is an entry in ClinVar:

NM_000132.4(F8):c.2722A>G (p.Ile908Val)

Gene: F8 (coagulation factor VIII; minus strand). Cytogenetic location: Xq28.
Variant type: single nucleotide variant.
Coding change: c.2722A>G on transcript NM_000132.4 (MANE Select); coding-DNA position 2722, A replaced by G.
Protein change: p.Ile908Val; replaces isoleucine 908 with valine.
Molecular consequence: missense variant.
Genome position (GRCh38, 1-based): chrX:154,931,068, T>C on the plus strand (A>G on the coding strand, the complement: F8 is on the minus strand). VCF-style: chrX-154931068-T-C. GRCh37 (hg19) VCF-style: chrX-154159343-T-C.
Other names: short protein forms I908V.
Identifiers: ClinVar variation 4885569 (VCV004885569.2).
Genomic context (GRCh38, chrX:154,931,068, plus strand): 5'-TACTTGGGGGTCCTAAGGAACTTGTATTATCAGTACCTGCTGCCAAATTGTCTGATGGAA[T>C]TGTTGAAATCAGATTATTTGATGTACTAGAAACTTTGAAATCAAGTTTCTTCAACTCTGT-3'
Protein context (NP_000123.1, residues 898-918): SSTSNNLIST[Ile908Val]PSDNLAAGTD

ClinVar aggregate classification (germline): Uncertain significance (1 of 4 stars; one submission).

gnomAD v4.1: 1 of 1,200,055 alleles (0.000083%); highest among the groups gnomAD compares: Non-Finnish European, 0.00011%; no homozygotes.

Submission:

Dasa
Classification: Uncertain significance. Last evaluated: 2026-01-22. Review status: criteria provided, single submitter. Criteria: DASA Assertion Criteria. Collection method: clinical testing. Allele origin: germline.
Comment: NM_000132.4(F8):c.2722A>G (p.Ile908Val) is a missense variant that results in the substitution of isoleucine with valine. This variant is rare in population databases. Computational prediction algorithms are consistent with a benign effect. The currently available literature and clinical evidence are not sufficient to establish a definitive association between this variant and the reported condition. Therefore, this variant is classified as a variant of uncertain significance.